The following is an entry in ClinVar:

NM_015909.4(NBAS):c.1643C>T (p.Thr548Ile)

Gene: NBAS (NBAS subunit of NRZ tethering complex; minus strand). Cytogenetic location: 2p24.3.
Variant type: single nucleotide variant.
Coding change: c.1643C>T on transcript NM_015909.4 (MANE Select); coding-DNA position 1643, C replaced by T.
Protein change: p.Thr548Ile; replaces threonine 548 with isoleucine.
Molecular consequence: missense variant. On other transcripts: non-coding transcript variant (1).
Genome position (GRCh38, 1-based): chr2:15,473,304, G>A on the plus strand (C>T on the coding strand, the complement: NBAS is on the minus strand). VCF-style: chr2-15473304-G-A. GRCh37 (hg19) VCF-style: chr2-15613428-G-A.
Other names: short protein forms T548I.
Identifiers: ClinVar variation 1362582 (VCV001362582.8), dbSNP rs2148583758, ClinGen allele CA345886309.

ClinVar aggregate classification (germline): Uncertain significance (1 of 4 stars; one submission).

Submission:

Labcorp Genetics (formerly Invitae), Labcorp
Classification: Uncertain significance. Last evaluated: 2022-08-09. Review status: criteria provided, single submitter. Criteria: Invitae Variant Classification Sherloc (09022015). Collection method: clinical testing. Allele origin: germline.
Comment: In summary, the available evidence is currently insufficient to determine the role of this variant in disease. Therefore, it has been classified as a Variant of Uncertain Significance. Algorithms developed to predict the effect of missense changes on protein structure and function are either unavailable or do not agree on the potential impact of this missense change (SIFT: "Deleterious"; PolyPhen-2: "Benign"; Align-GVGD: "Class C65"). ClinVar contains an entry for this variant (Variation ID: 1362582). This variant has not been reported in the literature in individuals affected with NBAS-related conditions. This variant is not present in population databases (gnomAD no frequency). This sequence change replaces threonine, which is neutral and polar, with isoleucine, which is neutral and non-polar, at codon 548 of the NBAS protein (p.Thr548Ile).